The following is an entry in ClinVar:

ClinVar aggregate classification (germline): Uncertain significance. Review status: criteria provided, multiple submitters, no conflicts (2 of 4 stars). 2 submissions from 2 submitters: Uncertain significance (2). Last evaluated 2023-04-28.

Conditions:
Nijmegen breakage syndrome-like disorder (NBSLD). Also called: MICROCEPHALY AND SPONTANEOUS CHROMOSOME INSTABILITY WITHOUT IMMUNODEFICIENCY; NBS-LIKE DISORDER; RAD50 DEFICIENCY. Identifiers: Orphanet 240760, MedGen C2751318, MONDO:0013118, OMIM 613078.
Hereditary cancer-predisposing syndrome. Also called: Hereditary neoplastic syndrome; Tumor predisposition; Neoplastic Syndromes, Hereditary; Hereditary Cancer Syndrome. Identifiers: Orphanet 140162, MedGen C0027672, MeSH D009386, MONDO:0015356.

Allele frequency attached by ClinVar (database versions not stated): gnomAD exomes below 0.00001; TOPMed below 0.00001.
gnomAD v4.1: 5 of 1,614,128 alleles (0.00031%); highest among the groups gnomAD compares: Non-Finnish European, 0.00042%; no homozygotes.

Submissions (2):

Labcorp Genetics (formerly Invitae), Labcorp
Classification: Uncertain significance for Hereditary cancer-predisposing syndrome. Last evaluated: 2023-04-28. Review status: criteria provided, single submitter. Criteria: Invitae Variant Classification Sherloc (09022015). Collection method: clinical testing. Allele origin: germline.
Comment: In summary, the available evidence is currently insufficient to determine the role of this variant in disease. Therefore, it has been classified as a Variant of Uncertain Significance. Variants that disrupt the consensus splice site are a relatively common cause of aberrant splicing (PMID: 17576681, 9536098). Algorithms developed to predict the effect of sequence changes on RNA splicing suggest that this variant may disrupt the consensus splice site. ClinVar contains an entry for this variant (Variation ID: 1692908). This variant has not been reported in the literature in individuals affected with RAD50-related conditions. This variant is not present in population databases (gnomAD no frequency). This sequence change falls in intron 23 of the RAD50 gene. It does not directly change the encoded amino acid sequence of the RAD50 protein. It affects a nucleotide within the consensus splice site.

Sema4
Classification: Uncertain significance for Nijmegen breakage syndrome-like disorder. Last evaluated: 2021-05-12. Review status: criteria provided, single submitter. Criteria: Sema4 Curation Guidelines. Collection method: curation. Allele origin: germline.
Comment: The RAD50 c.3618+5G>A variant has not been reported in the literature to our knowledge. It was not observed in the large and broad cohorts of the Genome Aggregation Database. The variant has not been reported in ClinVar. In silico tools suggest that the variant does not effect splicing, though these predictions have not been confirmed by functional studies. The evidence is insufficient to meet ACMG/AMP criteria for classifying the variant as benign or pathogenic. Thus, the clinical significance of this variant is currently uncertain.

Literature cited by the submitters: PubMed 17576681 (cited by Labcorp Genetics (formerly Invitae), Labcorp); PubMed 9536098 (cited by Labcorp Genetics (formerly Invitae), Labcorp).

NM_005732.4(RAD50):c.3618+5G>A

Genes: TH2LCRR (T helper type 2 locus control region associated RNA; minus strand), TH2-LCR (Th2 cytokine locus control region; plus strand), RAD50 (RAD50 double strand break repair protein; plus strand). Cytogenetic location: 5q31.1.
Variant type: single nucleotide variant.
Coding change: c.3618+5G>A on transcript NM_005732.4 (MANE Select); 5 bases into the intron after coding-DNA position 3618, G replaced by A.
Molecular consequence: intron variant. On other transcripts: non-coding transcript variant (3).
Genome position (GRCh38, 1-based): chr5:132,638,228, G>A. VCF-style: chr5-132638228-G-A. GRCh37 (hg19) VCF-style: chr5-131973920-G-A.
Identifiers: ClinVar variation 1692908 (VCV001692908.4), dbSNP rs1554100971, ClinGen allele CA446353498.
Genomic context (GRCh38, chr5:132,638,228, plus strand): 5'-TGCTGAAGGGAGACACAGCCTTGGATATGCGAGGACGATGCAGTGCTGGACAAAAGGCAG[G>A]TATCTCAAAAGCCTGGGGAGCCAACTCACCCAAGTAACTGAAAGAGAGAAACAAACATCA-3'